The following is an entry in ClinVar:

ClinVar aggregate classification (germline): Likely benign. Review status: criteria provided, multiple submitters, no conflicts (2 of 4 stars). 4 submissions from 4 submitters: Likely benign (4). Last evaluated 2026-01-22.

Conditions:
Charcot-Marie-Tooth disease dominant intermediate B (CMTDIB). Also called: CHARCOT-MARIE-TOOTH NEUROPATHY, DOMINANT INTERMEDIATE B; Charcot-Marie-Tooth disease dominant intermediate 1; CMT DI1; Charcot-Marie-Tooth disease dominant intermediate I. Identifiers: Orphanet 100044, Orphanet 228179, MedGen C1847902, MONDO:0011674, OMIM 606482.
DNM2-related disorder. Also called: DNM2-related condition.

Allele frequency attached by ClinVar (database versions not stated): ExAC 0.00002; gnomAD exomes 0.00007 and 0.00016; TOPMed 0.00010; gnomAD 0.00012; ESP Exome Variant Server 0.00015.
gnomAD v4.1: 264 of 1,614,022 alleles (0.016%); highest among the groups gnomAD compares: Non-Finnish European, 0.02%; no homozygotes.

Submissions (4):

PreventionGenetics, part of Exact Sciences
Classification: Likely benign for DNM2-related condition. Last evaluated: 2026-01-22. Review status: criteria provided, single submitter. Criteria: ACMG Guidelines, 2015. Collection method: clinical testing. Allele origin: germline.
Comment: This variant is classified as likely benign based on ACMG/AMP sequence variant interpretation guidelines (Richards et al. 2015 PMID: 25741868, with internal and published modifications).

Labcorp Genetics (formerly Invitae), Labcorp
Classification: Likely benign for Charcot-Marie-Tooth disease dominant intermediate B. Last evaluated: 2025-12-29. Review status: criteria provided, single submitter. Criteria: Invitae Variant Classification Sherloc (09022015). Collection method: clinical testing. Allele origin: germline.

Mayo Clinic Laboratories, Mayo Clinic
Classification: Likely benign. Last evaluated: 2025-08-10. Review status: criteria provided, single submitter. Criteria: ACMG Guidelines, 2015. Collection method: clinical testing. Allele origin: germline. Observed: 2 variant alleles.
Comment: BP4, BP7

GeneDx
Classification: Likely benign. Last evaluated: 2016-07-27. Review status: criteria provided, single submitter. Criteria: GeneDx Variant Classification (06012015). Collection method: clinical testing. Allele origin: germline. Affected: yes.
Comment: This variant is considered likely benign or benign based on one or more of the following criteria: it is a conservative change, it occurs at a poorly conserved position in the protein, it is predicted to be benign by multiple in silico algorithms, and/or has population frequency not consistent with disease.

NM_001005361.3(DNM2):c.1422+9C>T

Gene: DNM2 (dynamin 2; plus strand). Cytogenetic location: 19p13.2.
Variant type: single nucleotide variant.
Coding change: c.1422+9C>T on transcript NM_001005361.3 (MANE Select); 9 bases into the intron after coding-DNA position 1422, C replaced by T.
Molecular consequence: intron variant.
Genome position (GRCh38, 1-based): chr19:10,798,581, C>T. VCF-style: chr19-10798581-C-T. GRCh37 (hg19) VCF-style: chr19-10909257-C-T.
Other names: p.?; c.1422+9C>T (NM_001005360.3, NM_001190716.2, NM_004945.4 and 1 more transcripts).
Identifiers: ClinVar variation 377785 (VCV000377785.13), dbSNP rs199952853, ClinGen allele CA9201141.